The following is an entry in ClinVar:

ClinVar aggregate classification (germline): Uncertain significance (1 of 4 stars; one submission).

Conditions:
HNF1A-related disorder. Also called: HNF1A-related condition.

Submission:

PreventionGenetics, part of Exact Sciences
Classification: Uncertain significance for HNF1A-related condition. Last evaluated: 2024-10-20. Review status: criteria provided, single submitter. Criteria: ACMG Guidelines, 2015. Collection method: clinical testing. Allele origin: germline.
Comment: The HNF1A c.383T>C variant is predicted to result in the amino acid substitution p.Ile128Thr. To our knowledge, this variant has not been reported in the literature or in a large population database (gnomAD), indicating this variant is rare. Other missense variants affecting the same amino acid (p.Ile128Asn, p.Ile128Val) have been reported in individuals with maturity-onset diabetes of the young (Hansen et al. 1997. PubMed ID: 9075819; Supplementary Table 4, Colclough et al. 2022. PubMed ID: 34789499). Although we suspect that this variant may be pathogenic, at this time, the clinical significance of this variant is uncertain due to the absence of conclusive functional and genetic evidence.

NM_000545.8(HNF1A):c.383T>C (p.Ile128Thr)

Gene: HNF1A (HNF1 homeobox A; plus strand). Cytogenetic location: 12q24.31.
Variant type: single nucleotide variant.
Coding change: c.383T>C on transcript NM_000545.8 (MANE Select); coding-DNA position 383, T replaced by C.
Protein change: p.Ile128Thr; replaces isoleucine 128 with threonine.
Molecular consequence: missense variant.
Genome position (GRCh38, 1-based): chr12:120,988,889, T>C. VCF-style: chr12-120988889-T-C. GRCh37 (hg19) VCF-style: chr12-121426692-T-C.
Other names: c.383T>C, p.Ile128Thr (NM_001306179.2, NM_001406915.1); short protein forms I128T.
Identifiers: ClinVar variation 4996819 (VCV004996819.1).